The following is an entry in ClinVar:

NM_153603.4(COG7):c.687+7A>C

Gene: COG7 (component of oligomeric golgi complex 7; minus strand). Cytogenetic location: 16p12.2.
Variant type: single nucleotide variant.
Coding change: c.687+7A>C on transcript NM_153603.4 (MANE Select); 7 bases into the intron after coding-DNA position 687, A replaced by C.
Molecular consequence: intron variant.
Genome position (GRCh38, 1-based): chr16:23,434,629, T>G on the plus strand (A>C on the coding strand, the complement: COG7 is on the minus strand). VCF-style: chr16-23434629-T-G. GRCh37 (hg19) VCF-style: chr16-23445950-T-G.
Identifiers: ClinVar variation 392117 (VCV000392117.6), dbSNP rs199964250, ClinGen allele CA7961232.

ClinVar aggregate classification (germline): Benign/Likely benign. Review status: criteria provided, multiple submitters, no conflicts (2 of 4 stars). 2 submissions from 2 submitters: Benign (1); Likely benign (1). Last evaluated 2026-01-17.

Conditions:
COG7 congenital disorder of glycosylation (CDG2E). Also called: CONGENITAL DISORDER OF GLYCOSYLATION, TYPE IIe; CDG IIe. Identifiers: Orphanet 79333, MedGen C2931010, MONDO:0012118, OMIM 608779.

Allele frequency attached by ClinVar (database versions not stated): gnomAD exomes 0.00002 and 0.00019; gnomAD 0.00004; TOPMed 0.00007; 1000 Genomes Project 30x 0.00016; ExAC 0.00017; 1000 Genomes Project 0.00020.
gnomAD v4.1: 37 of 1,608,070 alleles (0.0023%); highest among the groups gnomAD compares: East Asian, 0.076%; no homozygotes.

Submissions (2):

Labcorp Genetics (formerly Invitae), Labcorp
Classification: Benign for COG7 congenital disorder of glycosylation. Last evaluated: 2026-01-17. Review status: criteria provided, single submitter. Criteria: Invitae Variant Classification Sherloc (09022015). Collection method: clinical testing. Allele origin: germline.

GeneDx
Classification: Likely benign. Last evaluated: 2017-01-01. Review status: criteria provided, single submitter. Criteria: GeneDx Variant Classification (06012015). Collection method: clinical testing. Allele origin: germline. Affected: yes.
Comment: This variant is considered likely benign or benign based on one or more of the following criteria: it is a conservative change, it occurs at a poorly conserved position in the protein, it is predicted to be benign by multiple in silico algorithms, and/or has population frequency not consistent with disease.